The following is an entry in ClinVar:

ClinVar aggregate classification (germline): Likely pathogenic (1 of 4 stars; one submission).

Conditions:
Osteogenesis imperfecta type I (OI1). Also called: OI, TYPE I; OSTEOGENESIS IMPERFECTA TARDA; OSTEOGENESIS IMPERFECTA WITH BLUE SCLERAE; Lobstein's Disease; Classic Non-deforming Osteogenesis Imperfecta with Blue Sclerae; Lobstein disease. Identifiers: Orphanet 216796, Orphanet 666, MedGen C0023931, MONDO:0008146, OMIM 166200. Disease mechanism: loss of function.
Ehlers-Danlos syndrome, classic type, 1 (EDSCL1). Also called: Ehlers-Danlos Syndrome, Classic Type, COL5A1-Related; EDS I; Ehlers-Danlos syndrome, type 1; EHLERS-DANLOS SYNDROME, GRAVIS TYPE; EHLERS-DANLOS SYNDROME, SEVERE CLASSIC TYPE. Identifiers: MedGen C0268335, MONDO:0019567, OMIM 130000.

Submission:

Labcorp Genetics (formerly Invitae), Labcorp
Classification: Likely pathogenic for Osteogenesis imperfecta type I; Ehlers-Danlos syndrome, classic type, 1. Last evaluated: 2018-06-23. Review status: criteria provided, single submitter. Criteria: Invitae Variant Classification Sherloc (09022015). Collection method: clinical testing. Allele origin: germline.
Comment: In summary, the currently available evidence indicates that the variant is pathogenic, but additional data are needed to prove that conclusively. Therefore, this variant has been classified as Likely Pathogenic. Glycine residues within the Gly-Xaa-Yaa repeats of the triple helix domain are required for the structure and stability of fibrillar collagens (PMID: 7695699, 8218237, 19344236). In COL1A2, missense variants at these glycine residues are significantly enriched in individuals with disease (PMID: 9016532, 17078022) compared to the general population (ExAC). This variant has not been reported in the literature in individuals with COL1A2-related disease. This variant is not present in population databases (ExAC no frequency). This sequence change replaces glycine with cysteine at codon 1036 of the COL1A2 protein (p.Gly1036Cys). The glycine residue is highly conserved and there is a large physicochemical difference between glycine and cysteine.

Literature cited by the submitters: PubMed 7695699; PubMed 8218237; PubMed 19344236; PubMed 9016532; PubMed 17078022.

NM_000089.4(COL1A2):c.3106G>T (p.Gly1036Cys)

Gene: COL1A2 (collagen type I alpha 2 chain; plus strand). Cytogenetic location: 7q21.3.
Variant type: single nucleotide variant.
Coding change: c.3106G>T on transcript NM_000089.4 (MANE Select); coding-DNA position 3106, G replaced by T.
Protein change: p.Gly1036Cys; replaces glycine 1036 with cysteine.
Molecular consequence: missense variant.
Genome position (GRCh38, 1-based): chr7:94,427,008, G>T. VCF-style: chr7-94427008-G-T. GRCh37 (hg19) VCF-style: chr7-94056320-G-T.
Other names: short protein forms G1036C.
Identifiers: ClinVar variation 575141 (VCV000575141.10), dbSNP rs72659325, ClinGen allele CA368225286.